The following is an entry in ClinVar:

NM_007294.4(BRCA1):c.5153-15C>A

Gene: BRCA1 (BRCA1 DNA repair associated; minus strand). Cytogenetic location: 17q21.31.
Variant type: single nucleotide variant.
Coding change: c.5153-15C>A on transcript NM_007294.4 (MANE Select); 15 bases into the intron before coding-DNA position 5153, C replaced by A.
Molecular consequence: intron variant.
Genome position (GRCh38, 1-based): chr17:43,063,388, G>T on the plus strand (C>A on the coding strand, the complement: BRCA1 is on the minus strand). VCF-style: chr17-43063388-G-T. GRCh37 (hg19) VCF-style: chr17-41215405-G-T.
Other names: c.4937-15C>A (NM_001407917.1, NM_001407918.1, NM_001407915.1 and 1 more transcripts); c.1700-15C>A (NM_001408462.1, NM_001408458.1, NM_001408461.1 and 7 more transcripts); c.5150-15C>A (NM_001407623.1, NM_001407615.1, NM_001407625.1 and 17 more transcripts); c.5153-15C>A (NM_001407605.1, NM_001407684.1, NM_001407594.1 and 7 more transcripts); c.4940-15C>A (NM_001407902.1, NM_001407897.1, NM_001407908.1 and 12 more transcripts); c.1763-15C>A (NM_001408414.1, NM_001408415.1, NM_001408412.1 and 2 more transcripts); c.1766-15C>A (NM_001408411.1); c.5075-15C>A (NM_001407655.1, NM_001407654.1, NM_001407652.1 and 1 more transcripts); and 72 more.
Identifiers: ClinVar variation 867733 (VCV000867733.3), dbSNP rs2051876236, ClinGen allele CA916080072.
Genomic context (GRCh38, chr17:43,063,388, plus strand): 5'-CTTACCTCATTCAGCATTTTTCTTTCTTTAATAGACTGGGTCACCCCTAAAGAGATCATA[G>T]AAAAGACAGGTTACATACAGCAGAAGAACGTGCTCTTTTCACGGAGATAGAGAGGTCAGC-3'

Conditions:
Breast-ovarian cancer, familial, susceptibility to, 1 (BROVCA1). Also called: BRCA1 Hereditary Breast and Ovarian Cancer; OVARIAN CANCER, SUSCEPTIBILITY TO. Identifiers: Orphanet 145, MedGen C2676676, MONDO:0011450, OMIM 604370. Disease mechanism: loss of function.

Submission:

Brotman Baty Institute, University of Washington
No classification provided (evidence only). Condition: Breast-ovarian cancer, familial 1. Review status: no classification provided. Collection method: in vitro. Allele origin: not applicable. Functional consequence: function_uncertain_variant.
ClinVar note: "not provided" was previously submitted as the classification for the variant. However, the classification appeared to be based only on an observation of functional data so it was converted to no classification on 2025-07-30.